The following is an entry in ClinVar:

ClinVar aggregate classification (germline): Uncertain significance (1 of 4 stars; one submission).

Conditions:
Generalized epilepsy-paroxysmal dyskinesia syndrome (PNKD3). Also called: Generalized epilepsy and paroxysmal dyskinesia; Paroxysmal nonkinesigenic dyskinesia, 3, with or without generalized epilepsy. Identifiers: Orphanet 79137, MedGen C5574945, MONDO:0012276, OMIM 609446.

Allele frequency attached by ClinVar (database versions not stated): gnomAD exomes below 0.00001.

Submission:

Labcorp Genetics (formerly Invitae), Labcorp
Classification: Uncertain significance for Generalized epilepsy-paroxysmal dyskinesia syndrome. Last evaluated: 2023-08-04. Review status: criteria provided, single submitter. Criteria: Invitae Variant Classification Sherloc (09022015). Collection method: clinical testing. Allele origin: germline.
Comment: This variant, c.31_57del, results in the deletion of 9 amino acid(s) of the KCNMA1 protein (p.Ser11_Gly19del), but otherwise preserves the integrity of the reading frame. This variant is not present in population databases (gnomAD no frequency). This variant has not been reported in the literature in individuals affected with KCNMA1-related conditions. ClinVar contains an entry for this variant (Variation ID: 2109572). Experimental studies and prediction algorithms are not available or were not evaluated, and the functional significance of this variant is currently unknown. In summary, the available evidence is currently insufficient to determine the role of this variant in disease. Therefore, it has been classified as a Variant of Uncertain Significance.

NM_001161352.2(KCNMA1):c.31_57del (p.Ser11_Gly19del)

Gene: KCNMA1 (potassium calcium-activated channel subfamily M alpha 1; minus strand). Cytogenetic location: 10q22.3.
Variant type: Deletion.
Coding change: c.31_57del on transcript NM_001161352.2 (MANE Select); coding-DNA positions 31 to 57, 27 bases deleted (AGCAGCGGCGGCGGCGGCGGCGGCGGA).
Protein change: p.Ser11_Gly19del.
Molecular consequence: inframe deletion. On other transcripts: inframe indel (1).
Genome position (GRCh38, 1-based): chr10:77,637,586-77,637,612, TCCGCCGCCGCCGCCGCCGCCGCTGCT deleted on the plus strand (AGCAGCGGCGGCGGCGGCGGCGGCGGA on the coding strand, the reverse complement: KCNMA1 is on the minus strand). VCF-style (leftmost placement, unchanged base first): chr10-77637585-CTCCGCCGCCGCCGCCGCCGCCGCTGCT-C. GRCh37 (hg19) VCF-style: chr10-79397343-CTCCGCCGCCGCCGCCGCCGCCGCTGCT-C.
Other names: c.31_57del, p.Ser11_Gly19del (NM_001014797.3, NM_001161353.2, NM_001271518.2 and 12 more transcripts); c.31_57del27, p.Ser11_Gly19del (NM_001410940.1).
Identifiers: ClinVar variation 2109572 (VCV002109572.4), dbSNP rs2552275445, ClinGen allele CA2580082001.
Genomic context (GRCh38, chr10:77,637,585, plus strand): 5'-AGGACGCGTCTAGGCTGAGATGGTTCGCGTGGATATTGCTACTCATTCTAAGACTGCTGC[CTCCGCCGCCGCCGCCGCCGCCGCTGCT>C]GCCGCCGCCGCCGCCGCCACCATTTGCCATAGCTAGCAACGGGCAGCCGGCGCAGGGGCT-3'